The following is an entry in ClinVar:

ClinVar aggregate classification (germline): Uncertain significance (1 of 4 stars; one submission).

Allele frequency attached by ClinVar (database versions not stated): ExAC 0.00001.
gnomAD v4.1: 2 of 1,614,128 alleles (0.00012%); highest among the groups gnomAD compares: African/African-American, 0.0013%; no homozygotes.

Submission:

Labcorp Genetics (formerly Invitae), Labcorp
Classification: Uncertain significance. Last evaluated: 2024-05-02. Review status: criteria provided, single submitter. Criteria: Invitae Variant Classification Sherloc (09022015). Collection method: clinical testing. Allele origin: germline.
Comment: This sequence change replaces glycine, which is neutral and non-polar, with arginine, which is basic and polar, at codon 91 of the NUP62 protein (p.Gly91Arg). This variant is present in population databases (rs765595786, gnomAD 0.0009%). This variant has not been reported in the literature in individuals affected with NUP62-related conditions. An algorithm developed to predict the effect of missense changes on protein structure and function (PolyPhen-2) suggests that this variant is likely to be disruptive. In summary, the available evidence is currently insufficient to determine the role of this variant in disease. Therefore, it has been classified as a Variant of Uncertain Significance.

NM_016553.5(NUP62):c.271G>A (p.Gly91Arg)

Genes: IL4I1 (interleukin 4 induced 1; minus strand), NUP62 (nucleoporin 62; minus strand). Cytogenetic location: 19q13.33.
Variant type: single nucleotide variant.
Coding change: c.271G>A on transcript NM_016553.5 (MANE Select); coding-DNA position 271, G replaced by A.
Protein change: p.Gly91Arg; replaces glycine 91 with arginine.
Molecular consequence: missense variant. On other transcripts: intron variant (3).
Genome position (GRCh38, 1-based): chr19:49,909,537, C>T on the plus strand (G>A on the coding strand, the complement: NUP62 is on the minus strand). VCF-style: chr19-49909537-C-T. GRCh37 (hg19) VCF-style: chr19-50412794-C-T.
Other names: c.271G>A, p.Gly91Arg (NM_001193357.2, NM_012346.5, NM_153718.4 and 1 more transcripts); c.-227-5216G>A (NM_001258017.2, NM_172374.3); c.-285-5216G>A (NM_001258018.2); short protein forms G91R.
Identifiers: ClinVar variation 2748867 (VCV002748867.3), dbSNP rs765595786, ClinGen allele CA9589170.